The following is an entry in ClinVar:

NM_024503.5(HIVEP3):c.3687G>T (p.Pro1229=)

Gene: HIVEP3 (HIVEP zinc finger 3; minus strand). Cytogenetic location: 1p34.2.
Variant type: single nucleotide variant.
Coding change: c.3687G>T on transcript NM_024503.5 (MANE Select); coding-DNA position 3687, G replaced by T.
Protein change: p.Pro1229=; no amino-acid change (proline 1229 retained).
Molecular consequence: synonymous variant.
Genome position (GRCh38, 1-based): chr1:41,581,111, C>A on the plus strand (G>T on the coding strand, the complement: HIVEP3 is on the minus strand). VCF-style: chr1-41581111-C-A. GRCh37 (hg19) VCF-style: chr1-42046782-C-A.
Other names: NC_000001.10:g.42046782C>A; c.3687G>T, p.Pro1229= (NM_001127714.3).
Identifiers: ClinVar variation 3050074 (VCV003050074.3), dbSNP rs61732495, ClinGen allele CA797815.

ClinVar aggregate classification (germline): Benign (0 of 4 stars; one submission).

Conditions:
HIVEP3-related disorder. Also called: HIVEP3-related condition.

Allele frequency attached by ClinVar (database versions not stated): 1000 Genomes Project 0.00539; 1000 Genomes Project 30x 0.00609; ESP Exome Variant Server 0.00669.
gnomAD v4.1: 1,645 of 1,555,258 alleles (0.11%); highest among the groups gnomAD compares: African/African-American, 2%; 12 homozygotes.

Submissions (2):

PreventionGenetics, part of Exact Sciences
Classification: Benign for HIVEP3-related condition. Last evaluated: 2019-07-16. Review status: no assertion criteria provided. Collection method: clinical testing. Allele origin: germline.
Comment: This variant is classified as benign based on ACMG/AMP sequence variant interpretation guidelines (Richards et al. 2015 PMID: 25741868, with internal and published modifications).

Dr. Peter K. Rogan Lab, Western University
No classification provided (evidence only). Condition: Clear cell carcinoma of kidney. Review status: no classification provided. Collection method: in vitro. Allele origin: not applicable. Functional consequence: retained intron. Not counted in ClinVar's aggregate classification.